The following is an entry in ClinVar:

NM_000179.3(MSH6):c.88G>A (p.Glu30Lys)

Gene: MSH6 (mutS homolog 6; plus strand). Cytogenetic location: 2p16.3.
Variant type: single nucleotide variant.
Coding change: c.88G>A on transcript NM_000179.3 (MANE Select); coding-DNA position 88, G replaced by A.
Protein change: p.Glu30Lys; replaces glutamic acid 30 with lysine.
Molecular consequence: missense variant. On other transcripts: 5 prime UTR variant (1).
Genome position (GRCh38, 1-based): chr2:47,783,321, G>A. VCF-style: chr2-47783321-G-A. GRCh37 (hg19) VCF-style: chr2-48010460-G-A.
Other names: c.88G>A, p.Glu30Lys (NM_001281492.2); c.-649G>A (NM_001281493.2); short protein forms E30K.
Identifiers: ClinVar variation 455356 (VCV000455356.17), dbSNP rs1445690889, ClinGen allele CA346734812.

ClinVar aggregate classification (germline): Uncertain significance. Review status: criteria provided, multiple submitters, no conflicts (2 of 4 stars). 4 submissions from 4 submitters: Uncertain significance (4). Last evaluated 2025-06-03.

Conditions:
Hereditary nonpolyposis colorectal neoplasms. Identifiers: MedGen C0009405, MeSH D003123.
Hereditary cancer-predisposing syndrome. Also called: Hereditary Cancer Syndrome; Hereditary neoplastic syndrome; Neoplastic Syndromes, Hereditary; Tumor predisposition. Identifiers: Orphanet 140162, MedGen C0027672, MeSH D009386, MONDO:0015356.

Allele frequency attached by ClinVar (database versions not stated): TOPMed 0.00001.

Submissions (4):

Labcorp Genetics (formerly Invitae), Labcorp
Classification: Uncertain significance for Hereditary nonpolyposis colorectal neoplasms. Last evaluated: 2025-06-03. Review status: criteria provided, single submitter. Criteria: Invitae Variant Classification Sherloc (09022015). Collection method: clinical testing. Allele origin: germline.
Comment: This sequence change replaces glutamic acid, which is acidic and polar, with lysine, which is basic and polar, at codon 30 of the MSH6 protein (p.Glu30Lys). This variant is not present in population databases (gnomAD no frequency). This missense change has been observed in individual(s) with breast cancer (PMID: 35449176). ClinVar contains an entry for this variant (Variation ID: 455356). Invitae Evidence Modeling of protein sequence and biophysical properties (such as structural, functional, and spatial information, amino acid conservation, physicochemical variation, residue mobility, and thermodynamic stability) indicates that this missense variant is not expected to disrupt MSH6 protein function with a negative predictive value of 95%. In summary, the available evidence is currently insufficient to determine the role of this variant in disease. Therefore, it has been classified as a Variant of Uncertain Significance.

GeneDx
Classification: Uncertain significance. Last evaluated: 2025-02-12. Review status: criteria provided, single submitter. Criteria: GeneDx Variant Classification Process June 2021. Collection method: clinical testing. Allele origin: germline. Affected: yes.
Comment: Not observed at significant frequency in large population cohorts (gnomAD); In silico analysis indicates that this missense variant does not alter protein structure/function; Observed in individuals with breast cancer (PMID: 35449176); This variant is associated with the following publications: (PMID: 22949387, 35449176)

Color Diagnostics, LLC DBA Color Health
Classification: Uncertain significance for Hereditary cancer-predisposing syndrome. Last evaluated: 2023-12-05. Review status: criteria provided, single submitter. Criteria: ACMG Guidelines, 2015. Collection method: clinical testing. Allele origin: germline.
Comment: This missense variant replaces glutamic acid with lysine at codon 30 of the MSH6 protein. Computational prediction suggests that this variant may not impact protein structure and function (internally defined REVEL score threshold <= 0.5, PMID: 27666373). To our knowledge, functional studies have not been reported for this variant. This variant has not been reported in individuals affected with MSH6-related disorders in the literature. This variant has not been identified in the general population by the Genome Aggregation Database (gnomAD). The available evidence is insufficient to determine the role of this variant in disease conclusively. Therefore, this variant is classified as a Variant of Uncertain Significance.

Ambry Genetics
Classification: Uncertain significance for Hereditary cancer-predisposing syndrome. Last evaluated: 2023-07-22. Review status: criteria provided, single submitter. Criteria: Ambry Variant Classification Scheme 2023. Collection method: clinical testing. Allele origin: germline.
Comment: The p.E30K variant (also known as c.88G>A), located in coding exon 1 of the MSH6 gene, results from a G to A substitution at nucleotide position 88. The glutamic acid at codon 30 is replaced by lysine, an amino acid with similar properties. This amino acid position is poorly conserved in available vertebrate species. In addition, this alteration is predicted to be tolerated by in silico analysis. Since supporting evidence is limited at this time, the clinical significance of this alteration remains unclear.

Literature cited by the submitters: PubMed 35449176 (cited by Labcorp Genetics (formerly Invitae), Labcorp).